The following is an entry in ClinVar:

NM_000584.4(CXCL8):c.91G>T (p.Glu31Ter)

Gene: CXCL8 (C-X-C motif chemokine ligand 8; plus strand). Cytogenetic location: 4q13.3.
Variant type: single nucleotide variant.
Coding change: c.91G>T on transcript NM_000584.4 (MANE Select); coding-DNA position 91, G replaced by T.
Protein change: p.Glu31Ter; replaces glutamic acid 31 with a stop codon.
Molecular consequence: nonsense.
Genome position (GRCh38, 1-based): chr4:73,741,568, G>T. VCF-style: chr4-73741568-G-T. GRCh37 (hg19) VCF-style: chr4-74607285-G-T.
Other names: c.91G>T, p.Glu31Ter (NM_001354840.3); short protein forms E31*.
Identifiers: ClinVar variation 3038842 (VCV003038842.2), dbSNP rs188378669, ClinGen allele CA2961583.
Genomic context (GRCh38, chr4:73,741,568, plus strand): 5'-AAAATCAATCCTTAATCACTTTTTCCCCCAACAGGTGCAGTTTTGCCAAGGAGTGCTAAA[G>T]AACTTAGATGTCAGTGCATAAAGACATACTCCAAACCTTTCCACCCCAAATTTATCAAAG-3'

ClinVar aggregate classification (germline): Likely benign (0 of 4 stars; one submission).

Conditions:
CXCL8-related disorder. Also called: CXCL8-related condition.

Allele frequency attached by ClinVar (database versions not stated): 1000 Genomes Project 30x 0.00016; 1000 Genomes Project 0.00020; ESP Exome Variant Server 0.00069; gnomAD 0.00137.

Submission:

PreventionGenetics, part of Exact Sciences
Classification: Likely benign for CXCL8-related condition. Last evaluated: 2023-05-31. Review status: no assertion criteria provided. Collection method: clinical testing. Allele origin: germline.
Comment: This variant is classified as likely benign based on ACMG/AMP sequence variant interpretation guidelines (Richards et al. 2015 PMID: 25741868, with internal and published modifications).